The following is an entry in ClinVar:

NM_152309.3(PIK3AP1):c.123G>C (p.Lys41Asn)

Gene: PIK3AP1 (phosphoinositide-3-kinase adaptor protein 1; minus strand). Cytogenetic location: 10q24.1.
Variant type: single nucleotide variant.
Coding change: c.123G>C on transcript NM_152309.3 (MANE Select); coding-DNA position 123, G replaced by C.
Protein change: p.Lys41Asn; replaces lysine 41 with asparagine.
Molecular consequence: missense variant.
Genome position (GRCh38, 1-based): chr10:96,709,874, C>G on the plus strand (G>C on the coding strand, the complement: PIK3AP1 is on the minus strand). VCF-style: chr10-96709874-C-G. GRCh37 (hg19) VCF-style: chr10-98469631-C-G.
Other names: short protein forms K41N.
Identifiers: ClinVar variation 2469506 (VCV002469506.5), dbSNP rs763058862, ClinGen allele CA5626606.

ClinVar aggregate classification (germline): Uncertain significance. Review status: criteria provided, multiple submitters, no conflicts (2 of 4 stars). 2 submissions from 2 submitters: Uncertain significance (2). Last evaluated 2026-01-21.

Conditions:
Infantile spasms. Also called: Infantile spasm. Identifiers: MedGen C3887898, HP:0012469.

Allele frequency attached by ClinVar (database versions not stated): gnomAD 0.00001; gnomAD exomes 0.00001; TOPMed 0.00001.
gnomAD v4.1: 17 of 1,613,734 alleles (0.0011%); highest among the groups gnomAD compares: East Asian, 0.036%; no homozygotes.

Submissions (2):

Labcorp Genetics (formerly Invitae), Labcorp
Classification: Uncertain significance for Infantile spasms. Last evaluated: 2026-01-21. Review status: criteria provided, single submitter. Criteria: Invitae Variant Classification Sherloc (09022015). Collection method: clinical testing. Allele origin: germline.
Comment: This sequence change replaces lysine, which is basic and polar, with asparagine, which is neutral and polar, at codon 41 of the PIK3AP1 protein (p.Lys41Asn). This variant is present in population databases (rs763058862, gnomAD 0.07%), and has an allele count higher than expected for a pathogenic variant. This variant has not been reported in the literature in individuals affected with PIK3AP1-related conditions. ClinVar contains an entry for this variant (Variation ID: 2469506). An algorithm developed to predict the effect of missense changes on protein structure and function (PolyPhen-2) suggests that this variant is likely to be tolerated. In summary, the available evidence is currently insufficient to determine the role of this variant in disease. Therefore, it has been classified as a Variant of Uncertain Significance.

Ambry Genetics
Classification: Uncertain significance. Last evaluated: 2023-02-07. Review status: criteria provided, single submitter. Criteria: Ambry Variant Classification Scheme 2023. Collection method: clinical testing. Allele origin: germline.